The following is an entry in ClinVar:

ClinVar aggregate classification (germline): Uncertain significance (1 of 4 stars; one submission).

Conditions:
Developmental and epileptic encephalopathy, 62. Also called: Early infantile epileptic encephalopathy 62. Identifiers: MedGen C4693699, MONDO:0033371, OMIM 617938.

Allele frequency attached by ClinVar (database versions not stated): gnomAD exomes below 0.00001.
gnomAD v4.1: 1 of 1,614,180 alleles (0.000062%); highest among the groups gnomAD compares: Non-Finnish European, 0.000085%; no homozygotes.

Submission:

Institute of Human Genetics, University of Leipzig Medical Center
Classification: Uncertain significance for Developmental and epileptic encephalopathy, 62. Last evaluated: 2022-03-10. Review status: criteria provided, single submitter. Criteria: ACMG Guidelines, 2015. Collection method: clinical testing. Allele origin: unknown. Inheritance: Autosomal dominant inheritance. Affected: yes.
Comment: Criteria applied: PM2_SUP,PP2,PP3

NM_006922.4(SCN3A):c.2727A>T (p.Lys909Asn)

Gene: SCN3A (sodium voltage-gated channel alpha subunit 3; minus strand). Cytogenetic location: 2q24.3.
Variant type: single nucleotide variant.
Coding change: c.2727A>T on transcript NM_006922.4 (MANE Select); coding-DNA position 2727, A replaced by T.
Protein change: p.Lys909Asn; replaces lysine 909 with asparagine.
Molecular consequence: missense variant.
Genome position (GRCh38, 1-based): chr2:165,130,135, T>A on the plus strand (A>T on the coding strand, the complement: SCN3A is on the minus strand). VCF-style: chr2-165130135-T-A. GRCh37 (hg19) VCF-style: chr2-165986645-T-A.
Other names: c.2580A>T, p.Lys860Asn (NM_001081676.2, NM_001081677.2); short protein forms K860N, K909N.
Identifiers: ClinVar variation 3068482 (VCV003068482.2), dbSNP rs2468251374, ClinGen allele CA349042670.